The following is an entry in ClinVar:

NM_145200.5(CABP4):c.349A>G (p.Asn117Asp)

Gene: CABP4 (calcium binding protein 4; plus strand). Cytogenetic location: 11q13.2.
Variant type: single nucleotide variant.
Coding change: c.349A>G on transcript NM_145200.5 (MANE Select); coding-DNA position 349, A replaced by G.
Protein change: p.Asn117Asp; replaces asparagine 117 with aspartic acid.
Molecular consequence: missense variant. On other transcripts: 5 prime UTR variant (3), non-coding transcript variant (1).
Genome position (GRCh38, 1-based): chr11:67,455,772, A>G. VCF-style: chr11-67455772-A-G. GRCh37 (hg19) VCF-style: chr11-67223243-A-G.
Other names: c.349A>G (NM_145200.3); c.-35A>G (NM_001300895.3); c.-49A>G (NM_001300896.3, NM_001379183.1); short protein forms N117D.
Identifiers: ClinVar variation 1402671 (VCV001402671.7), dbSNP rs563320221, ClinGen allele CA6140141.

ClinVar aggregate classification (germline): Uncertain significance. Review status: criteria provided, multiple submitters, no conflicts (2 of 4 stars). 2 submissions from 2 submitters: Uncertain significance (2). Last evaluated 2025-11-03.

Conditions:
Inborn genetic diseases. Identifiers: MedGen C0950123, MeSH D030342.

Allele frequency attached by ClinVar (database versions not stated): gnomAD 0.00001; gnomAD exomes 0.00001; TOPMed 0.00001; 1000 Genomes Project 30x 0.00016; 1000 Genomes Project 0.00020.
gnomAD v4.1: 9 of 1,581,600 alleles (0.00057%); highest among the groups gnomAD compares: Admixed American, 0.0018%; no homozygotes.

Submissions (2):

Ambry Genetics
Classification: Uncertain significance for Inborn genetic diseases. Last evaluated: 2025-11-03. Review status: criteria provided, single submitter. Criteria: Ambry Variant Classification Scheme 2023. Collection method: clinical testing. Allele origin: germline.

Labcorp Genetics (formerly Invitae), Labcorp
Classification: Uncertain significance. Last evaluated: 2021-08-27. Review status: criteria provided, single submitter. Criteria: Invitae Variant Classification Sherloc (09022015). Collection method: clinical testing. Allele origin: germline.
Comment: The frequency data for this variant in the population databases is considered unreliable, as metrics indicate poor data quality at this position in the ExAC database. In summary, the available evidence is currently insufficient to determine the role of this variant in disease. Therefore, it has been classified as a Variant of Uncertain Significance. Advanced modeling of protein sequence and biophysical properties (such as structural, functional, and spatial information, amino acid conservation, physicochemical variation, residue mobility, and thermodynamic stability) performed at Invitae indicates that this missense variant is not expected to disrupt CABP4 protein function. This variant has not been reported in the literature in individuals affected with CABP4-related conditions. This sequence change replaces asparagine with aspartic acid at codon 117 of the CABP4 protein (p.Asn117Asp). The asparagine residue is moderately conserved and there is a small physicochemical difference between asparagine and aspartic acid.